The following is an entry in ClinVar:

ClinVar aggregate classification (germline): Uncertain significance (1 of 4 stars; one submission).

Conditions:
Developmental and epileptic encephalopathy, 54. Also called: Epileptic encephalopathy, early infantile, 54; HNRNPU-Related Neurodevelopmental Disorder. Identifiers: MedGen C4479319, MONDO:0033363, OMIM 617391.

Allele frequency attached by ClinVar (database versions not stated): gnomAD exomes below 0.00001; ExAC 0.00001.
gnomAD v4.1: 1 of 1,613,124 alleles (0.000062%); highest among the groups gnomAD compares: Non-Finnish European, 0.000085%; no homozygotes.

Submission:

Labcorp Genetics (formerly Invitae), Labcorp
Classification: Uncertain significance for Developmental and epileptic encephalopathy, 54. Last evaluated: 2023-05-22. Review status: criteria provided, single submitter. Criteria: Invitae Variant Classification Sherloc (09022015). Collection method: clinical testing. Allele origin: germline.
Comment: In summary, the available evidence is currently insufficient to determine the role of this variant in disease. Therefore, it has been classified as a Variant of Uncertain Significance. This variant has not been reported in the literature in individuals affected with HNRNPU-related conditions. This variant is present in population databases (rs748182347, gnomAD no frequency). This sequence change replaces serine, which is neutral and polar, with asparagine, which is neutral and polar, at codon 414 of the HNRNPU protein (p.Ser414Asn). Advanced modeling of protein sequence and biophysical properties (such as structural, functional, and spatial information, amino acid conservation, physicochemical variation, residue mobility, and thermodynamic stability) performed at Invitae indicates that this missense variant is not expected to disrupt HNRNPU protein function.

NM_031844.3(HNRNPU):c.1241G>A (p.Ser414Asn)

Gene: HNRNPU (heterogeneous nuclear ribonucleoprotein U; minus strand). Cytogenetic location: 1q44.
Variant type: single nucleotide variant.
Coding change: c.1241G>A on transcript NM_031844.3 (MANE Select); coding-DNA position 1241, G replaced by A.
Protein change: p.Ser414Asn; replaces serine 414 with asparagine.
Molecular consequence: missense variant.
Genome position (GRCh38, 1-based): chr1:244,858,264, C>T on the plus strand (G>A on the coding strand, the complement: HNRNPU is on the minus strand). VCF-style: chr1-244858264-C-T. GRCh37 (hg19) VCF-style: chr1-245021566-C-T.
Other names: c.1184G>A, p.Ser395Asn (NM_004501.3); short protein forms S414N, S395N.
Identifiers: ClinVar variation 2866800 (VCV002866800.3), dbSNP rs748182347, ClinGen allele CA1486501.